The following is an entry in ClinVar:

ClinVar aggregate classification (germline): Benign/Likely benign. Review status: criteria provided, multiple submitters, no conflicts (2 of 4 stars). 5 submissions from 5 submitters: Benign (3); Likely benign (2). Last evaluated 2025-12-25.

Conditions:
Inborn genetic diseases. Identifiers: MedGen C0950123, MeSH D030342.

Submissions (5):

Labcorp Genetics (formerly Invitae), Labcorp
Classification: Benign. Last evaluated: 2025-12-25. Review status: criteria provided, single submitter. Criteria: Invitae Variant Classification Sherloc (09022015). Collection method: clinical testing. Allele origin: germline.

Blueprint Genetics
Classification: Likely benign. Last evaluated: 2024-10-02. Review status: criteria provided, single submitter. Criteria: ACMG Guidelines, 2015. Collection method: clinical testing. Allele origin: germline.

CeGaT Center for Human Genetics Tuebingen
Classification: Benign. Last evaluated: 2022-11-01. Review status: criteria provided, single submitter. Criteria: CeGaT Center For Human Genetics Tuebingen Variant Classification Criteria Version 2. Collection method: clinical testing. Allele origin: germline. Affected: yes. Observed: 1 variant allele.
Comment: ARID1B: BS1, BS2

GeneDx
Classification: Benign. Last evaluated: 2020-03-18. Review status: criteria provided, single submitter. Criteria: GeneDx Variant Classification Process June 2021. Collection method: clinical testing. Allele origin: germline. Affected: yes.

Ambry Genetics
Classification: Likely benign for Inborn genetic diseases. Last evaluated: 2018-06-21. Review status: criteria provided, single submitter. Criteria: Ambry Variant Classification Scheme 2023. Collection method: clinical testing. Allele origin: germline.

NM_001374828.1(ARID1B):c.519CCA[5] (p.His179del)

Genes: ARID1B (AT-rich interaction domain 1B; plus strand), LOC115308161 (uncharacterized LOC115308161; minus strand). Cytogenetic location: 6q25.3.
Variant type: Microsatellite.
Coding change: c.519CCA[5] on transcript NM_001374828.1 (MANE Select); five copies in a row of the 3-base unit CCA starting at c.519; the reference has six copies in a row; one copy, 3 bases deleted.
Protein change: p.His179del; deletes histidine 179.
Molecular consequence: inframe deletion.
Genome position (GRCh38, 1-based): chr6:156,778,214-156,778,216, CCA deleted; deleting any 3 consecutive bases within chr6:156,778,199-156,778,216 gives the same sequence; the position shown is the placement nearest the transcript's 3' end. VCF-style (leftmost placement, unchanged base first): chr6-156778198-CCCA-C. GRCh37 (hg19) VCF-style: chr6-157099332-CCCA-C.
Other names: c.519CCA[5], p.His179del (NM_001371656.1, NM_001374820.1, NM_017519.3); c.285_287del (NM_020732.3); c.285_287delCCA (NM_020732.3); short protein forms H179del.
Identifiers: ClinVar variation 588197 (VCV000588197.40), dbSNP rs754114025, ClinGen allele CA4066636.